The following is an entry in ClinVar:

NM_002691.4(POLD1):c.997C>T (p.Pro333Ser)

Gene: POLD1 (DNA polymerase delta 1, catalytic subunit; plus strand). Cytogenetic location: 19q13.33.
Variant type: single nucleotide variant.
Coding change: c.997C>T on transcript NM_002691.4 (MANE Select); coding-DNA position 997, C replaced by T.
Protein change: p.Pro333Ser; replaces proline 333 with serine.
Molecular consequence: missense variant. On other transcripts: non-coding transcript variant (1).
Genome position (GRCh38, 1-based): chr19:50,403,079, C>T. VCF-style: chr19-50403079-C-T. GRCh37 (hg19) VCF-style: chr19-50906336-C-T.
Other names: c.997C>T, p.Pro333Ser (NM_001256849.1, NM_001308632.1); short protein forms P333S.
Identifiers: ClinVar variation 665831 (VCV000665831.14), dbSNP rs1601204099, ClinGen allele CA406977854.
Genomic context (GRCh38, chr19:50,403,079, plus strand): 5'-AGGAGTCAGGCCCCTGCATCCTCCTGCCTCGCAGGCATCTTCCCTGAGCCTGAGCGGGAC[C>T]CTGTCATCCAGATCTGCTCGCTGGGCCTGCGCTGGGGGGAGCCGGAGCCCTTCCTACGCC-3'
Protein context (NP_002682.2, residues 323-343): KGIFPEPERD[Pro333Ser]VIQICSLGLR

ClinVar aggregate classification (germline): Uncertain significance. Review status: criteria provided, multiple submitters, no conflicts (2 of 4 stars). 3 submissions from 3 submitters: Uncertain significance (3). Last evaluated 2025-08-11.

Conditions:
Hereditary cancer-predisposing syndrome. Also called: Hereditary neoplastic syndrome; Tumor predisposition; Hereditary Cancer Syndrome; Neoplastic Syndromes, Hereditary. Identifiers: Orphanet 140162, MedGen C0027672, MeSH D009386, MONDO:0015356.
POLD1-related polyposis and colorectal cancer syndrome (CRCS10). Also called: Colorectal cancer, susceptibility to, 10; Colorectal cancer 10; COLORECTAL CANCER, SUSCEPTIBILITY TO, ON CHROMOSOME 19q. Identifiers: Orphanet 220460, MedGen C2675481, MONDO:0012953, OMIM 612591.

Submissions (3):

Ambry Genetics
Classification: Uncertain significance for Hereditary cancer-predisposing syndrome. Last evaluated: 2025-08-11. Review status: criteria provided, single submitter. Criteria: Ambry Variant Classification Scheme 2023. Collection method: clinical testing. Allele origin: germline.
Comment: The p.P333S variant (also known as c.997C>T), located in coding exon 8 of the POLD1 gene, results from a C to T substitution at nucleotide position 997. The proline at codon 333 is replaced by serine, an amino acid with similar properties. This amino acid position is conserved. In addition, this alteration is predicted to be tolerated by in silico analysis. Since supporting evidence is limited at this time, the clinical significance of this alteration remains unclear.

Labcorp Genetics (formerly Invitae), Labcorp
Classification: Uncertain significance for POLD1-related polyposis and colorectal cancer syndrome. Last evaluated: 2024-11-07. Review status: criteria provided, single submitter. Criteria: Invitae Variant Classification Sherloc (09022015). Collection method: clinical testing. Allele origin: germline.
Comment: This sequence change replaces proline, which is neutral and non-polar, with serine, which is neutral and polar, at codon 333 of the POLD1 protein (p.Pro333Ser). This variant is not present in population databases (gnomAD no frequency). This variant has not been reported in the literature in individuals affected with POLD1-related conditions. ClinVar contains an entry for this variant (Variation ID: 665831). Invitae Evidence Modeling of protein sequence and biophysical properties (such as structural, functional, and spatial information, amino acid conservation, physicochemical variation, residue mobility, and thermodynamic stability) indicates that this missense variant is not expected to disrupt POLD1 protein function with a negative predictive value of 80%. In summary, the available evidence is currently insufficient to determine the role of this variant in disease. Therefore, it has been classified as a Variant of Uncertain Significance.

Quest Diagnostics Nichols Institute San Juan Capistrano
Classification: Uncertain significance. Last evaluated: 2021-05-03. Review status: criteria provided, single submitter. Criteria: Quest Diagnostics criteria. Collection method: clinical testing. Allele origin: unknown.